The following is an entry in ClinVar:

NM_000161.3(GCH1):c.578_583del (p.Ile193_Glu195delinsLys)

Gene: GCH1 (GTP cyclohydrolase 1; minus strand). Cytogenetic location: 14q22.2.
Variant type: Deletion.
Coding change: c.578_583del on transcript NM_000161.3 (MANE Select); coding-DNA positions 578 to 583, 6 bases deleted (TCACGG; older notation c.578_583delTCACGG).
Protein change: p.Ile193_Glu195delinsLys.
Molecular consequence: inframe indel.
Genome position (GRCh38, 1-based): chr14:54,845,811-54,845,816, CCGTGA deleted on the plus strand (TCACGG on the coding strand, the reverse complement: GCH1 is on the minus strand). VCF-style (leftmost placement, unchanged base first): chr14-54845810-TCCGTGA-T. GRCh37 (hg19) VCF-style: chr14-55312528-TCCGTGA-T.
Other names: c.578_583delTCACGG (NM_000161.2); c.578_583del, p.Ile193_Glu195delinsLys (NM_001024024.2, NM_001024070.2, NM_001024071.2); c.578_583del (NM_000161.2).
Identifiers: ClinVar variation 1199011 (VCV001199011.8), dbSNP rs2140041733, ClinGen allele CA2499222643.

ClinVar aggregate classification (germline): Pathogenic/Likely pathogenic. Review status: criteria provided, multiple submitters, no conflicts (2 of 4 stars). 2 submissions from 2 submitters: Pathogenic (1); Likely pathogenic (1). Last evaluated 2026-10-22.

Conditions:
GTP cyclohydrolase I deficiency. Identifiers: MedGen C0268467, MONDO:0100184.
Dystonia 5 (DRD). Also called: Dystonia, DOPA-responsive, with or without hyperphenylalaninemia; DYSTONIA, PROGRESSIVE, WITH DIURNAL VARIATION; DYSTONIA-PARKINSONISM WITH DIURNAL FLUCTUATION; GTP Cyclohydrolase 1-Deficient Dopa-Responsive Dystonia; DYT-GCH1. Identifiers: Orphanet 98808, MedGen C1851920, MONDO:0007495, OMIM 128230.

Submissions (2):

GeneDx
Classification: Likely pathogenic. Last evaluated: 2026-10-22. Review status: criteria provided, single submitter. Criteria: GeneDx Variant Classification Process June 2021. Collection method: clinical testing. Allele origin: germline.
Comment: In-frame deletion of 3 amino acid(s) and insertion of 1 different amino acid(s) in a non-repeat region; Not observed at significant frequency in large population cohorts (gnomAD); In silico analysis supports a deleterious effect on protein structure/function; Has not been previously published as pathogenic or benign to our knowledge

Labcorp Genetics (formerly Invitae), Labcorp
Classification: Pathogenic for GTP cyclohydrolase I deficiency; Dystonia 5. Last evaluated: 2022-04-05. Review status: criteria provided, single submitter. Criteria: Invitae Variant Classification Sherloc (09022015). Collection method: clinical testing. Allele origin: germline.
Comment: This variant is not present in population databases (gnomAD no frequency). This variant has not been reported in the literature in individuals affected with GCH1-related conditions. ClinVar contains an entry for this variant (Variation ID: 1199011). Algorithms developed to predict the effect of sequence changes on RNA splicing suggest that this variant may disrupt the consensus splice site. This variant disrupts a region of the GCH1 protein in which other variant(s) (p.Ile193Asn) have been determined to be pathogenic (PMID: 24474670; Invitae). This suggests that this is a clinically significant region of the protein, and that variants that disrupt it are likely to be disease-causing. For these reasons, this variant has been classified as Pathogenic. This variant, c.578_583del, is a complex sequence change that results in the deletion of 3 and insertion of 1 amino acid(s) in the GCH1 protein (p.Ile193_Glu195delinsLys).

Literature cited by the submitters: PubMed 24474670 (cited by Labcorp Genetics (formerly Invitae), Labcorp).